The following is an entry in ClinVar:

ClinVar aggregate classification (germline): Benign. Review status: criteria provided, multiple submitters, no conflicts (2 of 4 stars). 2 submissions from 2 submitters: Benign (2). Last evaluated 2018-01-12.

Conditions:
Congenital microvillous atrophy (DIAR2). Also called: DAVIDSON DISEASE; MICROVILLUS ATROPHY, CONGENITAL; Microvillus inclusion disease; Diarrhea 2 with microvillus atrophy, with or without cholestasis; CONGENITAL FAMILIAL PROTRACTED DIARRHEA WITH ENTEROCYTE BRUSH-BORDER ABNORMALITIES. Identifiers: Orphanet 2290, MedGen C0341306, MONDO:0009635, OMIM 251850.

Allele frequency attached by ClinVar (database versions not stated): TOPMed 0.19814; gnomAD 0.20122 and 0.20814; 1000 Genomes Project 30x 0.24094; 1000 Genomes Project 0.24920.

Submissions (2):

Illumina Laboratory Services, Illumina
Classification: Benign for Congenital microvillous atrophy. Last evaluated: 2018-01-12. Review status: criteria provided, single submitter. Criteria: ICSL Variant Classification Criteria 13 December 2019. Collection method: clinical testing. Allele origin: germline.
Comment: This variant was observed in the ICSL laboratory as part of a predisposition screen in an ostensibly healthy population. It had not been previously curated by ICSL or reported in the Human Gene Mutation Database (HGMD: prior to June 1st, 2018), and was therefore a candidate for classification through an automated scoring system. Utilizing variant allele frequency, disease prevalence and penetrance estimates, and inheritance mode, an automated score was calculated to assess if this variant is too frequent to cause the disease. Based on the score and internal cut-off values, a variant classified as benign is not then subjected to further curation. The score for this variant resulted in a classification of benign for this disease.

Breakthrough Genomics
Classification: Benign. Review status: criteria provided, single submitter. Criteria: ACMG Guidelines, 2015. Collection method: not provided. Allele origin: germline. Inheritance: Autosomal recessive inheritance. Affected: yes.

NM_001080467.3(MYO5B):c.*965A>T

Genes: MYO5B (myosin VB; minus strand), SNHG22 (small nucleolar RNA host gene 22; plus strand). Cytogenetic location: 18q21.1.
Variant type: single nucleotide variant.
Coding change: c.*965A>T on transcript NM_001080467.3 (MANE Select); 965 bases downstream of the stop codon, A replaced by T.
Molecular consequence: 3 prime UTR variant.
Genome position (GRCh38, 1-based): chr18:49,825,506, T>A on the plus strand (A>T on the coding strand, the complement: MYO5B is on the minus strand). VCF-style: chr18-49825506-T-A. GRCh37 (hg19) VCF-style: chr18-47351876-T-A.
Identifiers: ClinVar variation 326978 (VCV000326978.6), dbSNP rs72642495, ClinGen allele CA10647709.